The following is an entry in ClinVar:

NM_000059.4(BRCA2):c.1303dup (p.Arg435fs)

Gene: BRCA2 (BRCA2 DNA repair associated; plus strand). Cytogenetic location: 13q13.1.
Variant type: Duplication.
Coding change: c.1303dup on transcript NM_000059.4 (MANE Select); coding-DNA position 1303, one base duplicated (A; older notation c.1303dupA).
Protein change: p.Arg435fs; shifts the reading frame from arginine 435.
Molecular consequence: frameshift variant.
Genome position (GRCh38, 1-based): chr13:32,332,781, A duplicated; the last of 4 consecutive A bases (chr13:32,332,778-32,332,781); duplicating any one gives the same sequence. VCF-style (leftmost placement, unchanged base first): chr13-32332777-C-CA. GRCh37 (hg19) VCF-style: chr13-32906914-C-CA.
Other names: c.1303dupA (NM_000059.3); short protein forms R435fs.
Identifiers: ClinVar variation 2566005 (VCV002566005.5), dbSNP rs1566223237, ClinGen allele CA919242392.

ClinVar aggregate classification (germline): Pathogenic. Review status: criteria provided, multiple submitters, no conflicts (2 of 4 stars). 2 submissions from 2 submitters: Pathogenic (2). Last evaluated 2024-01-13.

Conditions:
Hereditary breast ovarian cancer syndrome. Also called: BRCA1- and BRCA2-Associated Hereditary Breast and Ovarian Cancer; Hereditary breast and ovarian cancer syndrome (HBOC); Hereditary breast and ovarian cancer syndrome; Breast and ovarian cancer; Hereditary breast and/or ovarian cancer syndrome; Hereditary breast and ovarian cancer. Identifiers: Orphanet 145, MedGen C0677776, MeSH D061325, MONDO:0003582. Disease mechanism: loss of function.
Hereditary cancer-predisposing syndrome. Also called: Neoplastic Syndromes, Hereditary; Hereditary Cancer Syndrome; Hereditary neoplastic syndrome; Tumor predisposition. Identifiers: Orphanet 140162, MedGen C0027672, MeSH D009386, MONDO:0015356.

Submissions (2):

Labcorp Genetics (formerly Invitae), Labcorp
Classification: Pathogenic for Hereditary breast ovarian cancer syndrome. Last evaluated: 2024-01-13. Review status: criteria provided, single submitter. Criteria: Invitae Variant Classification Sherloc (09022015). Collection method: clinical testing. Allele origin: germline.
Comment: This sequence change creates a premature translational stop signal (p.Arg435Lysfs*17) in the BRCA2 gene. It is expected to result in an absent or disrupted protein product. Loss-of-function variants in BRCA2 are known to be pathogenic (PMID: 20104584). This variant is not present in population databases (gnomAD no frequency). This premature translational stop signal has been observed in individual(s) with breast and/or ovarian cancer (PMID: 26187060, 30702160). ClinVar contains an entry for this variant (Variation ID: 2566005). For these reasons, this variant has been classified as Pathogenic.

Ambry Genetics
Classification: Pathogenic for Hereditary cancer-predisposing syndrome. Last evaluated: 2023-04-27. Review status: criteria provided, single submitter. Criteria: Ambry Variant Classification Scheme 2023. Collection method: clinical testing. Allele origin: germline.
Comment: The c.1303dupA variant, located in coding exon 9 of the BRCA2 gene, results from a duplication of A at nucleotide position 1303, causing a translational frameshift with a predicted alternate stop codon (p.R435Kfs*17). This variant has been reported in patients with a personal and/or family history suggestive of Hereditary Breast and Ovarian Cancer syndrome (Li WF et al. Breast Cancer Res Treat, 2008 Jul;110:99-109; Kim YC et al. Oncotarget, 2016 Feb;7:9600-12; Kwong A et al. J Med Genet, 2016 Jan;53:15-23; Bhaskaran SP et al. Int J Cancer, 2019 Aug;145:962-973; Mehta A et al. J Pathol Transl Med, 2022 Jul;56:212-216). Of note, this alteration is also designated as 1527insA in published literature. In addition to the clinical data presented in the literature, this alteration is expected to result in loss of function by premature protein truncation or nonsense-mediated mRNA decay. As such, this alteration is interpreted as a disease-causing mutation.

Literature cited by the submitters: PubMed 20104584 (cited by Labcorp Genetics (formerly Invitae), Labcorp); PubMed 26187060 (cited by Labcorp Genetics (formerly Invitae), Labcorp and Ambry Genetics); PubMed 30702160 (cited by Labcorp Genetics (formerly Invitae), Labcorp and Ambry Genetics); PubMed 17851763 (cited by Ambry Genetics); PubMed 26848529 (cited by Ambry Genetics); PubMed 35698740 (cited by Ambry Genetics).